The following is an entry in ClinVar:

NM_000631.5(NCF4):c.758+117A>G

Gene: NCF4 (neutrophil cytosolic factor 4; plus strand). Cytogenetic location: 22q12.3.
Variant type: single nucleotide variant.
Coding change: c.758+117A>G on transcript NM_000631.5 (MANE Select); 117 bases into the intron after coding-DNA position 758, A replaced by G.
Molecular consequence: intron variant. On other transcripts: missense variant (1).
Genome position (GRCh38, 1-based): chr22:36,875,900, A>G. VCF-style: chr22-36875900-A-G. GRCh37 (hg19) VCF-style: chr22-37271942-A-G.
Other names: c.875A>G, p.Gln292Arg (NM_013416.4); short protein forms Q292R.
Identifiers: ClinVar variation 2146574 (VCV002146574.4), dbSNP rs1569116821, ClinGen allele CA411389657.

ClinVar aggregate classification (germline): Uncertain significance (1 of 4 stars; one submission).

Conditions:
Granulomatous disease, chronic, autosomal recessive, cytochrome b-positive, type 3. Also called: Granulomatous disease, chronic, autosomal recessive, cytochrome b-positive, type III; GRANULOMATOUS DISEASE, CHRONIC, DUE TO NCF4 DEFICIENCY; GRANULOMATOUS DISEASE, CHRONIC, AUTOSOMAL RECESSIVE, 3; CGD, AUTOSOMAL RECESSIVE CYTOCHROME b-POSITIVE, TYPE III. Identifiers: Orphanet 379, MedGen C3151409, MONDO:0013507, OMIM 613960.

Allele frequency attached by ClinVar (database versions not stated): gnomAD exomes below 0.00001; TOPMed 0.00001.
gnomAD v4.1: 3 of 1,614,188 alleles (0.00019%); highest among the groups gnomAD compares: Admixed American, 0.005%; no homozygotes.

Submission:

Labcorp Genetics (formerly Invitae), Labcorp
Classification: Uncertain significance for Granulomatous disease, chronic, autosomal recessive, cytochrome b-positive, type 3. Last evaluated: 2022-05-27. Review status: criteria provided, single submitter. Criteria: Invitae Variant Classification Sherloc (09022015). Collection method: clinical testing. Allele origin: germline.
Comment: Algorithms developed to predict the effect of missense changes on protein structure and function are either unavailable or do not agree on the potential impact of this missense change (SIFT: "Deleterious"; PolyPhen-2: "Benign"; Align-GVGD: "Class C0"). This variant has not been reported in the literature in individuals affected with NCF4-related conditions. This variant is not present in population databases (gnomAD no frequency). This sequence change replaces glutamine, which is neutral and polar, with arginine, which is basic and polar, at codon 292 of the NCF4 protein (p.Gln292Arg). In summary, the available evidence is currently insufficient to determine the role of this variant in disease. Therefore, it has been classified as a Variant of Uncertain Significance.